The following is an entry in ClinVar:

NM_001540.5(HSPB1):c.573T>C (p.Leu191=)

Gene: HSPB1 (heat shock protein family B (small) member 1; plus strand). Cytogenetic location: 7q11.23.
Variant type: single nucleotide variant.
Coding change: c.573T>C on transcript NM_001540.5 (MANE Select); coding-DNA position 573, T replaced by C.
Protein change: p.Leu191=; no amino-acid change (leucine 191 retained).
Molecular consequence: synonymous variant.
Genome position (GRCh38, 1-based): chr7:76,304,128, T>C. VCF-style: chr7-76304128-T-C. GRCh37 (hg19) VCF-style: chr7-75933445-T-C.
Other names: p.Leu191=; c.573T>C (LRG_248t1).
Identifiers: ClinVar variation 385089 (VCV000385089.22), dbSNP rs34771861, ClinGen allele CA4306451.

ClinVar aggregate classification (germline): Benign/Likely benign. Review status: criteria provided, multiple submitters, no conflicts (2 of 4 stars). 10 submissions from 10 submitters: Benign (5); Likely benign (5). Last evaluated 2025-12-01.

Conditions:
HSPB1-related disorder. Also called: HSPB1-related disorders; HSPB1-related condition.
Charcot-Marie-Tooth disease. Also called: Charcot-Marie-Tooth Neuropathy; Charcot-Marie-Tooth Hereditary Neuropathy. Identifiers: Orphanet 166, MedGen C0007959, MONDO:0015626.
Inborn genetic diseases. Identifiers: MedGen C0950123, MeSH D030342.
Charcot-Marie-Tooth disease axonal type 2F (CMT2F). Also called: CHARCOT-MARIE-TOOTH DISEASE, NEURONAL, TYPE 2F; Charcot-Marie-Tooth Neuropathy Type 2F. Identifiers: Orphanet 99940, MedGen C1847823, MONDO:0011687, OMIM 606595.

Allele frequency attached by ClinVar (database versions not stated): gnomAD exomes 0.00041 and 0.00015; ExAC 0.00061; ESP Exome Variant Server 0.00123; gnomAD 0.00158 and 0.00170; TOPMed 0.00164; 1000 Genomes Project 30x 0.00187; 1000 Genomes Project 0.00200.

Submissions (10):

Labcorp Genetics (formerly Invitae), Labcorp
Classification: Benign for Charcot-Marie-Tooth disease axonal type 2F. Last evaluated: 2025-12-01. Review status: criteria provided, single submitter. Criteria: Invitae Variant Classification Sherloc (09022015). Collection method: clinical testing. Allele origin: germline.

Mayo Clinic Laboratories, Mayo Clinic
Classification: Benign. Last evaluated: 2025-04-22. Review status: criteria provided, single submitter. Criteria: ACMG Guidelines, 2015. Collection method: clinical testing. Allele origin: germline. Observed: 1 variant allele.
Comment: BA1, BP4, BP7

PreventionGenetics, part of Exact Sciences
Classification: Benign for HSPB1-related condition. Last evaluated: 2025-02-26. Review status: criteria provided, single submitter. Criteria: ACMG Guidelines, 2015. Collection method: clinical testing. Allele origin: germline.
Comment: This variant is classified as benign based on ACMG/AMP sequence variant interpretation guidelines (Richards et al. 2015 PMID: 25741868, with internal and published modifications).

Blueprint Genetics
Classification: Likely benign. Last evaluated: 2024-11-25. Review status: criteria provided, single submitter. Criteria: ACMG Guidelines, 2015. Collection method: clinical testing. Allele origin: germline.

ARUP Laboratories, Molecular Genetics and Genomics, ARUP Laboratories
Classification: Benign. Last evaluated: 2023-11-22. Review status: criteria provided, single submitter. Criteria: ARUP Molecular Germline Variant Investigation Process 2024. Collection method: clinical testing. Allele origin: germline.

Athena Diagnostics
Classification: Benign. Last evaluated: 2020-11-12. Review status: criteria provided, single submitter. Criteria: Athena Diagnostics criteria. Collection method: clinical testing. Allele origin: unknown.

GeneDx
Classification: Likely benign. Last evaluated: 2020-10-22. Review status: criteria provided, single submitter. Criteria: GeneDx Variant Classification Process June 2021. Collection method: clinical testing. Allele origin: germline. Affected: yes.

Ambry Genetics
Classification: Likely benign for Inborn genetic diseases. Last evaluated: 2019-07-11. Review status: criteria provided, single submitter. Criteria: Ambry Variant Classification Scheme 2023. Collection method: clinical testing. Allele origin: germline.

Breakthrough Genomics
Classification: Likely benign. Review status: criteria provided, single submitter. Criteria: ACMG Guidelines, 2015. Collection method: not provided. Allele origin: germline. Inheritance: Autosomal dominant inheritance. Affected: yes.

Molecular Genetics Laboratory, London Health Sciences Centre
Classification: Likely benign for Charcot-Marie-Tooth disease. Review status: criteria provided, single submitter. Criteria: ACMG Guidelines, 2015. Collection method: clinical testing. Allele origin: germline. Affected: yes.